The following is an entry in ClinVar:

NM_012434.5(SLC17A5):c.110C>T (p.Ser37Phe)

Gene: SLC17A5 (solute carrier family 17 member 5; minus strand). Cytogenetic location: 6q13.
Variant type: single nucleotide variant.
Coding change: c.110C>T on transcript NM_012434.5 (MANE Select); coding-DNA position 110, C replaced by T.
Protein change: p.Ser37Phe; replaces serine 37 with phenylalanine.
Molecular consequence: missense variant. On other transcripts: intron variant (2).
Genome position (GRCh38, 1-based): chr6:73,644,588, G>A on the plus strand (C>T on the coding strand, the complement: SLC17A5 is on the minus strand). VCF-style: chr6-73644588-G-A. GRCh37 (hg19) VCF-style: chr6-74354311-G-A.
Other names: c.110C>T, p.Ser37Phe (NM_001382630.1, NM_001382632.1, NM_001382633.1 and 2 more transcripts); c.131C>T, p.Ser44Phe (NM_001382631.1); c.61-2664C>T (NM_001382636.1, NM_001382629.1); short protein forms S37F, S44F.
Identifiers: ClinVar variation 3336951 (VCV003336951.3).

ClinVar aggregate classification (germline): Uncertain significance. Review status: criteria provided, multiple submitters, no conflicts (2 of 4 stars). 3 submissions from 3 submitters: Uncertain significance (3). Last evaluated 2026-04-28.

Conditions:
Inborn genetic diseases. Identifiers: MedGen C0950123, MeSH D030342.
Sialic acid storage disease, severe infantile type (ISSD). Also called: INFANTILE SIALIC ACID STORAGE DISORDER; N-ACETYLNEURAMINIC ACID STORAGE DISEASE; NANA STORAGE DISEASE; SIALURIA, INFANTILE FORM; Infantile Sialic Acid Storage Disease; Free sialic acid storage disease, infantile form. Identifiers: Orphanet 309324, Orphanet 834, MedGen C1096902, MONDO:0010027, OMIM 269920.
Salla disease (SD). Also called: Sialuria, Finnish type; N-acetylneuraminic acid (NANA) storage disease (NSD); Infantile sialic acid storage disorder (ISSD); Less Severe FSASD (Salla Disease). Identifiers: Orphanet 309334, Orphanet 834, MedGen C1096903, MONDO:0011449, OMIM 604369.

Submissions (3):

Wales Gene Park, Division Of Cancer and Genetics, Cardiff University
Classification: Uncertain significance for Inborn genetic diseases. Last evaluated: 2026-04-28. Review status: criteria provided, single submitter. Criteria: ACGS Best Practice Guidelines for Variant Classification in Rare Disease 2024. Collection method: research. Allele origin: inherited. Inheritance: Autosomal recessive inheritance. Study: 100,000 Genomes Project (Wales).
Comment: Inherited SLC17A5 missense variant detected by trio genome sequencing. Low allele frequency in gnomAD (v4.1.1). REVEL score neutral 0.491. Evidence codes: PM2, PM3.

Fulgent Genetics
Classification: Uncertain significance for Sialic acid storage disease, severe infantile type; Salla disease. Last evaluated: 2024-04-15. Review status: criteria provided, single submitter. Criteria: ACMG Guidelines, 2015. Collection method: clinical testing. Allele origin: germline.

Clinical Genetics Laboratory, Skane University Hospital Lund
Classification: Uncertain significance. Last evaluated: 2022-05-27. Review status: criteria provided, single submitter. Criteria: ACMG Guidelines, 2015. Collection method: clinical testing. Allele origin: germline. Affected: yes.